The following is an entry in ClinVar:

NM_031229.4(RBCK1):c.300G>C (p.Gln100His)

Gene: RBCK1 (RANBP2-type and C3HC4-type zinc finger containing 1; plus strand). Cytogenetic location: 20p13.
Variant type: single nucleotide variant.
Coding change: c.300G>C on transcript NM_031229.4 (MANE Select); coding-DNA position 300, G replaced by C.
Protein change: p.Gln100His; replaces glutamine 100 with histidine.
Molecular consequence: missense variant. On other transcripts: 5 prime UTR variant (2), non-coding transcript variant (1).
Genome position (GRCh38, 1-based): chr20:417,770, G>C. VCF-style: chr20-417770-G-C. GRCh37 (hg19) VCF-style: chr20-398414-G-C.
Other names: c.-50G>C (NM_001323956.2, NM_001323958.2); c.174G>C, p.Gln58His (NM_006462.6); short protein forms Q100H, Q58H.
Identifiers: ClinVar variation 1367782 (VCV001367782.6), dbSNP rs752266924, ClinGen allele CA9723042.

ClinVar aggregate classification (germline): Uncertain significance (1 of 4 stars; one submission).

Conditions:
Polyglucosan body myopathy type 1 (PGBM1). Also called: Polyglucosan body myopathy 1 with or without immunodeficiency; POLYGLUCOSAN BODY MYOPATHY WITHOUT IMMUNODEFICIENCY. Identifiers: Orphanet 329173, Orphanet 397937, MedGen C4014605, MONDO:0014389, OMIM 615895.

Allele frequency attached by ClinVar (database versions not stated): gnomAD exomes below 0.00001; ExAC 0.00001; gnomAD 0.00001; TOPMed 0.00002.
gnomAD v4.1: 3 of 1,613,968 alleles (0.00019%); highest among the groups gnomAD compares: African/African-American, 0.004%; no homozygotes.

Submission:

Labcorp Genetics (formerly Invitae), Labcorp
Classification: Uncertain significance for Polyglucosan body myopathy type 1. Last evaluated: 2021-01-29. Review status: criteria provided, single submitter. Criteria: Invitae Variant Classification Sherloc (09022015). Collection method: clinical testing. Allele origin: germline.
Comment: In summary, the available evidence is currently insufficient to determine the role of this variant in disease. Therefore, it has been classified as a Variant of Uncertain Significance. Algorithms developed to predict the effect of missense changes on protein structure and function are either unavailable or do not agree on the potential impact of this missense change (SIFT: "Not Available"; PolyPhen-2: "Benign"; Align-GVGD: "Not Available"). This variant has not been reported in the literature in individuals with RBCK1-related conditions. This variant is present in population databases (rs752266924, ExAC 0.01%). This sequence change replaces glutamine with histidine at codon 100 of the RBCK1 protein (p.Gln100His). The glutamine residue is highly conserved and there is a small physicochemical difference between glutamine and histidine.